The following is an entry in ClinVar:

ClinVar aggregate classification (germline): Benign. Review status: criteria provided, multiple submitters, no conflicts (2 of 4 stars). 4 submissions from 4 submitters: Benign (4). Last evaluated 2026-01-23.

Allele frequency attached by ClinVar (database versions not stated): gnomAD exomes 0.00273; ExAC 0.00334; 1000 Genomes Project 0.01038; gnomAD 0.01055 and 0.01140; ESP Exome Variant Server 0.01184; 1000 Genomes Project 30x 0.01187; TOPMed 0.01250.
gnomAD v4.1: 3,207 of 1,613,392 alleles (0.2%); highest among the groups gnomAD compares: African/African-American, 3.6%; 47 homozygotes.

Submissions (4):

Labcorp Genetics (formerly Invitae), Labcorp
Classification: Benign. Last evaluated: 2026-01-23. Review status: criteria provided, single submitter. Criteria: Invitae Variant Classification Sherloc (09022015). Collection method: clinical testing. Allele origin: germline.

Mayo Clinic Laboratories, Mayo Clinic
Classification: Benign. Last evaluated: 2025-03-21. Review status: criteria provided, single submitter. Criteria: ACMG Guidelines, 2015. Collection method: clinical testing. Allele origin: germline. Observed: 2 variant alleles.
Comment: BA1, BS2, BP4, BP7

GeneDx
Classification: Benign. Last evaluated: 2018-08-10. Review status: criteria provided, single submitter. Criteria: GeneDx Variant Classification Process June 2021. Collection method: clinical testing. Allele origin: germline. Affected: yes.

Laboratory for Molecular Medicine, Mass General Brigham Personalized Medicine
Classification: Benign. Last evaluated: 2017-08-23. Review status: criteria provided, single submitter. Criteria: LMM Criteria. Collection method: clinical testing. Allele origin: germline. Observed: 3 variant alleles.
Comment: p.Ser71Ser in exon 4 of KITLG: This variant is not expected to have clinical sig nificance because it does not alter an amino acid residue, is not located within the splice consensus sequence, and has been identified in 3.63% (373/10280) of African chromosomes by the Exome Aggregation Consortium (ExAC; dbSNP rs17015782).

NM_000899.5(KITLG):c.213C>T (p.Ser71=)

Gene: KITLG (KIT ligand; minus strand). Cytogenetic location: 12q21.32.
Variant type: single nucleotide variant.
Coding change: c.213C>T on transcript NM_000899.5 (MANE Select); coding-DNA position 213, C replaced by T.
Protein change: p.Ser71=; no amino-acid change (serine 71 retained).
Molecular consequence: synonymous variant.
Genome position (GRCh38, 1-based): chr12:88,518,847, G>A on the plus strand (C>T on the coding strand, the complement: KITLG is on the minus strand). VCF-style: chr12-88518847-G-A. GRCh37 (hg19) VCF-style: chr12-88912624-G-A.
Other names: p.Ser71=; c.213C>T, p.Ser71= (NM_003994.6).
Identifiers: ClinVar variation 666626 (VCV000666626.18), dbSNP rs17015782, ClinGen allele CA6713737.